The following is an entry in ClinVar:

NM_005993.5(TBCD):c.1422C>T (p.Phe474=)

Gene: TBCD (tubulin folding cofactor D). Cytogenetic location: 17q25.3.
Variant type: single nucleotide variant.
Coding change: c.1422C>T on transcript NM_005993.5 (MANE Select); coding-DNA position 1422, C replaced by T.
Protein change: p.Phe474=; no amino-acid change (phenylalanine 474 retained).
Molecular consequence: synonymous variant.
Genome position (GRCh38, 1-based): chr17:82,870,327, C>T. VCF-style: chr17-82870327-C-T. GRCh37 (hg19) VCF-style: chr17-80828203-C-T.
Other names: p.Phe474=.
Identifiers: ClinVar variation 1167728 (VCV001167728.11), dbSNP rs36018199, ClinGen allele CA8862557.

ClinVar aggregate classification (germline): Benign. Review status: criteria provided, multiple submitters, no conflicts (2 of 4 stars). 3 submissions from 3 submitters: Benign (3). Last evaluated 2026-02-04.

Allele frequency attached by ClinVar (database versions not stated): ExAC 0.02813; ESP Exome Variant Server 0.03470; 1000 Genomes Project 0.01058; gnomAD exomes 0.02689; gnomAD 0.02916 and 0.03039; 1000 Genomes Project 30x 0.01046; TOPMed 0.02693.
gnomAD v4.1: 66,237 of 1,613,488 alleles (4.1%); highest among the groups gnomAD compares: Non-Finnish European, 5.1%; 1,647 homozygotes.

Submissions (3):

Labcorp Genetics (formerly Invitae), Labcorp
Classification: Benign. Last evaluated: 2026-02-04. Review status: criteria provided, single submitter. Criteria: Invitae Variant Classification Sherloc (09022015). Collection method: clinical testing. Allele origin: germline.

Mayo Clinic Laboratories, Mayo Clinic
Classification: Benign. Last evaluated: 2022-12-27. Review status: criteria provided, single submitter. Criteria: ACMG Guidelines, 2015. Collection method: clinical testing. Allele origin: germline. Observed: 20 variant alleles.
Comment: BS1, BS2, BP4, BP7

Breakthrough Genomics
Classification: Benign. Review status: criteria provided, single submitter. Criteria: ACMG Guidelines, 2015. Collection method: not provided. Allele origin: germline. Inheritance: Autosomal recessive inheritance. Affected: yes.